The following is an entry in ClinVar:

NM_001148.6(ANK2):c.11860G>C (p.Asp3954His)

Gene: ANK2 (ankyrin 2; plus strand). Cytogenetic location: 4q26.
Variant type: single nucleotide variant.
Coding change: c.11860G>C on transcript NM_001148.6 (MANE Select); coding-DNA position 11860, G replaced by C.
Protein change: p.Asp3954His; replaces aspartic acid 3954 with histidine.
Molecular consequence: missense variant.
Genome position (GRCh38, 1-based): chr4:113,381,457, G>C. VCF-style: chr4-113381457-G-C. GRCh37 (hg19) VCF-style: chr4-114302613-G-C.
Other names: c.5818G>C, p.Asp1940His (NM_001386143.1); c.5743G>C, p.Asp1915His (NM_001386144.1); c.5662G>C, p.Asp1888His (NM_001386146.1); c.5614G>C, p.Asp1872His (NM_001386147.1); c.5590G>C, p.Asp1864His (NM_001386148.2); c.5569G>C, p.Asp1857His (NM_001386149.1); c.5479G>C, p.Asp1827His (NM_001386150.1); c.5413G>C, p.Asp1805His (NM_001386151.1, NM_001386152.1); and 57 more; short protein forms D1002H, D1052H, D1774H, D1794H, D1813H, D1822H, D1843H, D1848H.
Identifiers: ClinVar variation 946014 (VCV000946014.6), dbSNP rs1319198451, ClinGen allele CA357944315.

ClinVar aggregate classification (germline): Uncertain significance (1 of 4 stars; one submission).

Conditions:
Long QT syndrome (LQTS). Identifiers: MedGen C0023976, MeSH D008133, MONDO:0002442. Disease mechanism: loss of function. Inheritance: Various modes of inheritance.

Submission:

Labcorp Genetics (formerly Invitae), Labcorp
Classification: Uncertain significance for Long QT syndrome. Last evaluated: 2022-03-19. Review status: criteria provided, single submitter. Criteria: Invitae Variant Classification Sherloc (09022015). Collection method: clinical testing. Allele origin: germline.
Comment: ClinVar contains an entry for this variant (Variation ID: 946014). This variant has not been reported in the literature in individuals affected with ANK2-related conditions. Algorithms developed to predict the effect of missense changes on protein structure and function are either unavailable or do not agree on the potential impact of this missense change (SIFT: "Tolerated"; PolyPhen-2: "Possibly Damaging"; Align-GVGD: "Class C0"). Algorithms developed to predict the effect of sequence changes on RNA splicing suggest that this variant may disrupt the consensus splice site. In summary, the available evidence is currently insufficient to determine the role of this variant in disease. Therefore, it has been classified as a Variant of Uncertain Significance. This sequence change replaces aspartic acid, which is acidic and polar, with histidine, which is basic and polar, at codon 3954 of the ANK2 protein (p.Asp3954His). This variant is not present in population databases (gnomAD no frequency).